The following is an entry in ClinVar:

NM_001040108.2(MLH3):c.2919C>T (p.Pro973=)

Gene: MLH3 (mutL homolog 3; minus strand). Cytogenetic location: 14q24.3.
Variant type: single nucleotide variant.
Coding change: c.2919C>T on transcript NM_001040108.2 (MANE Select); coding-DNA position 2919, C replaced by T.
Protein change: p.Pro973=; no amino-acid change (proline 973 retained).
Molecular consequence: synonymous variant.
Genome position (GRCh38, 1-based): chr14:75,046,737, G>A on the plus strand (C>T on the coding strand, the complement: MLH3 is on the minus strand). VCF-style: chr14-75046737-G-A. GRCh37 (hg19) VCF-style: chr14-75513440-G-A.
Other names: c.2919C>T, p.Pro973= (NM_014381.3).
Identifiers: ClinVar variation 1797656 (VCV001797656.4), dbSNP rs376297115, ClinGen allele CA7275617.
Genomic context (GRCh38, chr14:75,046,737, plus strand): 5'-TTGTTCTGAGGCTCTGATAAGAACATCTGAATCTTTACCGGTAACTTTAGAATTATTATA[G>A]GGCAATACCAAAGGAGTTTCTGATATCACACAGTTCTCTGTTGTATTGCTGTTAGAATGT-3'
Protein context (NP_001035197.1, residues 963-983): CVISETPLVL[Pro973=]YNNSKVTGKD

ClinVar aggregate classification (germline): Benign/Likely benign. Review status: criteria provided, multiple submitters, no conflicts (2 of 4 stars). 3 submissions from 3 submitters: Benign (1); Likely benign (2). Last evaluated 2026-05-05.

Conditions:
Colorectal cancer, hereditary nonpolyposis, type 7. Identifiers: Orphanet 144, MedGen C1858380, MONDO:0013725, OMIM 614385.

Allele frequency attached by ClinVar (database versions not stated): gnomAD exomes below 0.00001; TOPMed below 0.00001; ExAC 0.00001; ESP Exome Variant Server 0.00008.
gnomAD v4.1: 7 of 1,614,076 alleles (0.00043%); highest among the groups gnomAD compares: Non-Finnish European, 0.00059%; no homozygotes.

Submissions (3):

Myriad Genetics, Inc.
Classification: Benign for Colorectal cancer, hereditary nonpolyposis, type 7. Last evaluated: 2026-05-05. Review status: criteria provided, single submitter. Criteria: Myriad Autosomal Dominant, Autosomal Recessive and X-Linked Classification Criteria (2023). Collection method: clinical testing. Allele origin: unknown.
Comment: This variant is considered benign. This variant is a silent/synonymous amino acid change and it is not expected to impact splicing.

Ambry Genetics
Classification: Likely benign. Last evaluated: 2022-07-19. Review status: criteria provided, single submitter. Criteria: Ambry Variant Classification Scheme 2023. Collection method: clinical testing. Allele origin: germline.

Blueprint Genetics
Classification: Likely benign. Last evaluated: 2020-12-21. Review status: criteria provided, single submitter. Criteria: ACMG Guidelines, 2015. Collection method: clinical testing. Allele origin: germline.